The following is an entry in ClinVar:

ClinVar aggregate classification (germline): Uncertain significance (1 of 4 stars; one submission).

Submission:

GeneDx
Classification: Uncertain significance. Last evaluated: 2023-10-25. Review status: criteria provided, single submitter. Criteria: GeneDx Variant Classification Process June 2021. Collection method: clinical testing. Allele origin: germline. Affected: yes.
Comment: Not observed at significant frequency in large population cohorts (gnomAD); In silico analysis supports that this missense variant does not alter protein structure/function; Has not been previously published as pathogenic or benign to our knowledge

NM_201599.3(ZMYM3):c.3016G>A (p.Asp1006Asn)

Gene: ZMYM3 (zinc finger MYM-type containing 3; minus strand). Cytogenetic location: Xq13.1.
Variant type: single nucleotide variant.
Coding change: c.3016G>A on transcript NM_201599.3 (MANE Select); coding-DNA position 3016, G replaced by A.
Protein change: p.Asp1006Asn; replaces aspartic acid 1006 with asparagine.
Molecular consequence: missense variant.
Genome position (GRCh38, 1-based): chrX:71,244,885, C>T on the plus strand (G>A on the coding strand, the complement: ZMYM3 is on the minus strand). VCF-style: chrX-71244885-C-T. GRCh37 (hg19) VCF-style: chrX-70464735-C-T.
Other names: c.2980G>A, p.Asp994Asn (NM_001171162.1); c.3016G>A, p.Asp1006Asn (NM_005096.3); short protein forms D1006N, D994N.
Identifiers: ClinVar variation 3363316 (VCV003363316.1).